The following is an entry in ClinVar:

ClinVar aggregate classification (germline): Likely benign. Review status: criteria provided, multiple submitters, no conflicts (2 of 4 stars). 2 submissions from 2 submitters: Likely benign (2). Last evaluated 2024-11-12.

Conditions:
TICAM1-related disorder. Also called: TICAM1-related condition.
Encephalopathy, acute, infection-induced (herpes-specific), susceptibility to, 6. Also called: Herpes simplex encephalitis, susceptibility to, 4. Identifiers: Orphanet 1930, MedGen C3553869, MONDO:0013921, OMIM 614850.

Allele frequency attached by ClinVar (database versions not stated): ExAC 0.00003; TOPMed 0.00003; gnomAD 0.00001; gnomAD exomes 0.00004.
gnomAD v4.1: 72 of 1,603,792 alleles (0.0045%); highest among the groups gnomAD compares: Middle Eastern, 0.017%; no homozygotes.

Submissions (2):

PreventionGenetics, part of Exact Sciences
Classification: Likely benign for TICAM1-related condition. Last evaluated: 2024-11-12. Review status: criteria provided, single submitter. Criteria: ACMG Guidelines, 2015. Collection method: clinical testing. Allele origin: germline.
Comment: This variant is classified as likely benign based on ACMG/AMP sequence variant interpretation guidelines (Richards et al. 2015 PMID: 25741868, with internal and published modifications).

Labcorp Genetics (formerly Invitae), Labcorp
Classification: Likely benign for Encephalopathy, acute, infection-induced (herpes-specific), susceptibility to, 6. Last evaluated: 2024-02-25. Review status: criteria provided, single submitter. Criteria: Invitae Variant Classification Sherloc (09022015). Collection method: clinical testing. Allele origin: germline.

NM_182919.4(TICAM1):c.558G>A (p.Ser186=)

Gene: TICAM1 (TIR domain containing adaptor molecule 1; minus strand). Cytogenetic location: 19p13.3.
Variant type: single nucleotide variant.
Coding change: c.558G>A on transcript NM_182919.4 (MANE Select); coding-DNA position 558, G replaced by A.
Protein change: p.Ser186=; no amino-acid change (serine 186 retained).
Molecular consequence: synonymous variant.
Genome position (GRCh38, 1-based): chr19:4,817,820, C>T on the plus strand (G>A on the coding strand, the complement: TICAM1 is on the minus strand). VCF-style: chr19-4817820-C-T. GRCh37 (hg19) VCF-style: chr19-4817832-C-T.
Identifiers: ClinVar variation 844714 (VCV000844714.11), dbSNP rs768828649, ClinGen allele CA9105326.